The following is an entry in ClinVar:

NM_199355.4(ADAMTS18):c.2813del (p.Gly938fs)

Gene: ADAMTS18 (ADAM metallopeptidase with thrombospondin type 1 motif 18; minus strand). Cytogenetic location: 16q23.1.
Variant type: Deletion.
Coding change: c.2813del on transcript NM_199355.4 (MANE Select); coding-DNA position 2813, one base deleted (G; older notation c.2813delG).
Protein change: p.Gly938fs; shifts the reading frame from glycine 938.
Molecular consequence: frameshift variant.
Genome position (GRCh38, 1-based): chr16:77,295,116, C deleted on the plus strand (G on the coding strand, the reverse complement: ADAMTS18 is on the minus strand); the first of 2 consecutive C bases (chr16:77,295,116-77,295,117); deleting either gives the same sequence. VCF-style (leftmost placement, unchanged base first): chr16-77295115-AC-A. GRCh37 (hg19) VCF-style: chr16-77329012-AC-A.
Other names: c.2297del, p.Gly766fs (NM_001326358.2); short protein forms G766fs, G938fs.
Identifiers: ClinVar variation 1068709 (VCV001068709.7), dbSNP rs2144577875, ClinGen allele CA2499223693.

ClinVar aggregate classification (germline): Pathogenic (1 of 4 stars; one submission).

Submission:

Labcorp Genetics (formerly Invitae), Labcorp
Classification: Pathogenic. Last evaluated: 2024-04-30. Review status: criteria provided, single submitter. Criteria: Invitae Variant Classification Sherloc (09022015). Collection method: clinical testing. Allele origin: germline.
Comment: This sequence change creates a premature translational stop signal (p.Gly938Valfs*40) in the ADAMTS18 gene. It is expected to result in an absent or disrupted protein product. Loss-of-function variants in ADAMTS18 are known to be pathogenic (PMID: 23818446, 24874986). This variant is not present in population databases (gnomAD no frequency). This variant has not been reported in the literature in individuals affected with ADAMTS18-related conditions. ClinVar contains an entry for this variant (Variation ID: 1068709). For these reasons, this variant has been classified as Pathogenic.

Literature cited by the submitters: PubMed 23818446; PubMed 24874986.